The following is an entry in ClinVar:

ClinVar aggregate classification (germline): Uncertain significance (1 of 4 stars; one submission).

Conditions:
Hereditary cancer-predisposing syndrome. Also called: Hereditary neoplastic syndrome; Hereditary Cancer Syndrome; Neoplastic Syndromes, Hereditary; Tumor predisposition. Identifiers: Orphanet 140162, MedGen C0027672, MeSH D009386, MONDO:0015356.

Submission:

Color Diagnostics, LLC DBA Color Health
Classification: Uncertain significance for Hereditary cancer-predisposing syndrome. Last evaluated: 2023-03-09. Review status: criteria provided, single submitter. Criteria: ACMG Guidelines, 2015. Collection method: clinical testing. Allele origin: germline.
Comment: This missense variant replaces glycine with arginine at codon 126 of the APC protein. Computational prediction suggests that this variant may not impact protein structure and function (internally defined REVEL score threshold <= 0.5, PMID: 27666373). To our knowledge, functional studies have not been reported for this variant. This variant has not been reported in individuals affected with APC-related disorders in the literature. This variant has not been identified in the general population by the Genome Aggregation Database (gnomAD). The available evidence is insufficient to determine the role of this variant in disease conclusively. Therefore, this variant is classified as a Variant of Uncertain Significance.

NM_000038.6(APC):c.376G>A (p.Gly126Arg)

Gene: APC (APC regulator of Wnt signaling pathway; plus strand). Cytogenetic location: 5q22.2.
Variant type: single nucleotide variant.
Coding change: c.376G>A on transcript NM_000038.6 (MANE Select); coding-DNA position 376, G replaced by A.
Protein change: p.Gly126Arg; replaces glycine 126 with arginine.
Molecular consequence: missense variant. On other transcripts: 5 prime UTR variant (4), non-coding transcript variant (2).
Genome position (GRCh38, 1-based): chr5:112,767,344, G>A. VCF-style: chr5-112767344-G-A. GRCh37 (hg19) VCF-style: chr5-112103041-G-A.
Other names: c.376G>A, p.Gly126Arg (NM_001127510.3, NM_001354895.2, NM_001354896.2 and 16 more transcripts); c.406G>A, p.Gly136Arg (NM_001127511.3, NM_001354897.2, NM_001354902.2 and 1 more transcripts); c.301G>A, p.Gly101Arg (NM_001354898.2, NM_001354904.2, NM_001407451.1); c.199G>A, p.Gly67Arg (NM_001354900.2, NM_001354901.2, NM_001354905.2 and 1 more transcripts); c.-660G>A (NM_001354906.2, NM_001407470.1, NM_001407471.1 and 1 more transcripts); short protein forms G101R, G126R, G136R, G67R.
Identifiers: ClinVar variation 2773668 (VCV002773668.2), dbSNP rs773952596, ClinGen allele CA16022141.